The following is an entry in ClinVar:

ClinVar aggregate classification (germline): Uncertain significance (1 of 4 stars; one submission).

Conditions:
Hereditary spastic paraplegia 74. Also called: Spastic paraplegia 74, autosomal recessive. Identifiers: Orphanet 468661, MedGen C5568837, MONDO:0014644, OMIM 616451.
Multiple mitochondrial dysfunctions syndrome 3 (MMDS3). Identifiers: Orphanet 363424, MedGen C3809165, MONDO:0014132, OMIM 615330.

Submission:

Labcorp Genetics (formerly Invitae), Labcorp
Classification: Uncertain significance for Multiple mitochondrial dysfunctions syndrome 3; Hereditary spastic paraplegia 74. Last evaluated: 2024-10-25. Review status: criteria provided, single submitter. Criteria: Invitae Variant Classification Sherloc (09022015). Collection method: clinical testing. Allele origin: germline.
Comment: This sequence change replaces tyrosine, which is neutral and polar, with cysteine, which is neutral and slightly polar, at codon 96 of the IBA57 protein (p.Tyr96Cys). This variant is not present in population databases (gnomAD no frequency). This variant has not been reported in the literature in individuals affected with IBA57-related conditions. Invitae Evidence Modeling of protein sequence and biophysical properties (such as structural, functional, and spatial information, amino acid conservation, physicochemical variation, residue mobility, and thermodynamic stability) indicates that this missense variant is expected to disrupt IBA57 protein function with a positive predictive value of 80%. This variant disrupts the p.Tyr96 amino acid residue in IBA57. Other variant(s) that disrupt this residue have been determined to be pathogenic (PMID: 28671726). This suggests that this residue is clinically significant, and that variants that disrupt this residue are likely to be disease-causing. In summary, the available evidence is currently insufficient to determine the role of this variant in disease. Therefore, it has been classified as a Variant of Uncertain Significance.

Literature cited by the submitters: PubMed 28671726.

NM_001010867.4(IBA57):c.287A>G (p.Tyr96Cys)

Gene: IBA57 (iron-sulfur cluster assembly factor IBA57; plus strand). Cytogenetic location: 1q42.13.
Variant type: single nucleotide variant.
Coding change: c.287A>G on transcript NM_001010867.4 (MANE Select); coding-DNA position 287, A replaced by G.
Protein change: p.Tyr96Cys; replaces tyrosine 96 with cysteine.
Molecular consequence: missense variant.
Genome position (GRCh38, 1-based): chr1:228,166,103, A>G. VCF-style: chr1-228166103-A-G. GRCh37 (hg19) VCF-style: chr1-228353804-A-G.
Other names: short protein forms Y96C.
Identifiers: ClinVar variation 3753016 (VCV003753016.2).